The following is an entry in ClinVar:

NM_001318852.2(MAPK8IP3):c.1919G>C (p.Arg640Pro)

Gene: MAPK8IP3 (mitogen-activated protein kinase 8 interacting protein 3; plus strand). Cytogenetic location: 16p13.3.
Variant type: single nucleotide variant.
Coding change: c.1919G>C on transcript NM_001318852.2 (MANE Select); coding-DNA position 1919, G replaced by C.
Protein change: p.Arg640Pro; replaces arginine 640 with proline.
Molecular consequence: missense variant.
Genome position (GRCh38, 1-based): chr16:1,763,677, G>C. VCF-style: chr16-1763677-G-C. GRCh37 (hg19) VCF-style: chr16-1813678-G-C.
Other names: c.1898G>C, p.Arg633Pro (NM_001040439.2); c.1916G>C, p.Arg639Pro (NM_015133.5); short protein forms R633P, R639P, R640P.
Identifiers: ClinVar variation 3363525 (VCV003363525.1).

ClinVar aggregate classification (germline): Uncertain significance (1 of 4 stars; one submission).

Submission:

GeneDx
Classification: Uncertain significance. Last evaluated: 2023-10-26. Review status: criteria provided, single submitter. Criteria: GeneDx Variant Classification Process June 2021. Collection method: clinical testing. Allele origin: germline. Affected: yes.
Comment: Not observed at significant frequency in large population cohorts (gnomAD); In silico analysis supports that this missense variant has a deleterious effect on protein structure/function; Has not been previously published as pathogenic or benign to our knowledge